The following is an entry in ClinVar:

NM_001377.3(DYNC2H1):c.7156G>T (p.Gly2386Ter)

Gene: DYNC2H1 (dynein cytoplasmic 2 heavy chain 1; plus strand). Cytogenetic location: 11q22.3.
Variant type: single nucleotide variant.
Coding change: c.7156G>T on transcript NM_001377.3 (MANE Select); coding-DNA position 7156, G replaced by T.
Protein change: p.Gly2386Ter; replaces glycine 2386 with a stop codon.
Molecular consequence: nonsense.
Genome position (GRCh38, 1-based): chr11:103,188,512, G>T. VCF-style: chr11-103188512-G-T. GRCh37 (hg19) VCF-style: chr11-103059241-G-T.
Other names: c.7156G>T, p.Gly2386Ter (NM_001080463.2); short protein forms G2386*.
Identifiers: ClinVar variation 2766230 (VCV002766230.5), dbSNP rs1306497806, ClinGen allele CA382252366.

ClinVar aggregate classification (germline): Pathogenic. Review status: criteria provided, multiple submitters, no conflicts (2 of 4 stars). 2 submissions from 2 submitters: Pathogenic (2). Last evaluated 2024-05-11.

Conditions:
Asphyxiating thoracic dystrophy 3. Also called: SHORT-RIB THORACIC DYSPLASIA 3 WITH OR WITHOUT POLYDACTYLY; POLYDACTYLY WITH NEONATAL CHONDRODYSTROPHY, TYPE I; SHORT-RIB THORACIC DYSPLASIA 3/6 WITH POLYDACTYLY, DIGENIC; Short rib polydactyly syndrome 2B; Saldino-Noonan Syndrome. Identifiers: Orphanet 474, Orphanet 93269, Orphanet 93270, Orphanet 93271, MedGen C0036069, MONDO:0013127, OMIM 613091.
Jeune thoracic dystrophy. Also called: Jeune syndrome; Infantile thoracic dystrophy; Thoracic pelvic phalangeal dystrophy; Jeune's syndrome; Chondroectodermal dysplasia-like syndrome; Short-rib thoracic dysplasia. Identifiers: Orphanet 474, MedGen C0265275, MONDO:0018770.

Allele frequency attached by ClinVar (database versions not stated): TOPMed 0.00001; gnomAD 0.00001; gnomAD exomes 0.00002.
gnomAD v4.1: 26 of 1,603,364 alleles (0.0016%); highest among the groups gnomAD compares: Non-Finnish European, 0.0022%; no homozygotes.

Submissions (2):

Myriad Genetics, Inc.
Classification: Pathogenic for Asphyxiating thoracic dystrophy 3. Last evaluated: 2024-05-11. Review status: criteria provided, single submitter. Criteria: Myriad Autosomal Dominant, Autosomal Recessive and X-Linked Classification Criteria (2023). Collection method: clinical testing. Allele origin: unknown.
Comment: NM_001377.2(DYNC2H1):c.7156G>T(G2386*) is expected to be pathogenic in the context of DYNC2H1-related disorders. This variant is predicted to lead to an abnormal or absent protein product due to the creation of a premature termination codon in DYNC2H1, a gene where loss-of-function variants are known to be pathogenic. Please note: this variant was assessed in the context of healthy population screening.

Labcorp Genetics (formerly Invitae), Labcorp
Classification: Pathogenic for Jeune thoracic dystrophy. Last evaluated: 2023-01-31. Review status: criteria provided, single submitter. Criteria: Invitae Variant Classification Sherloc (09022015). Collection method: clinical testing. Allele origin: germline.
Comment: This sequence change creates a premature translational stop signal (p.Gly2386*) in the DYNC2H1 gene. It is expected to result in an absent or disrupted protein product. Loss-of-function variants in DYNC2H1 are known to be pathogenic (PMID: 23339108, 32753734). This variant is not present in population databases (gnomAD no frequency). This variant has not been reported in the literature in individuals affected with DYNC2H1-related conditions. Algorithms developed to predict the effect of sequence changes on RNA splicing suggest that this variant may create or strengthen a splice site. For these reasons, this variant has been classified as Pathogenic.

Literature cited by the submitters: PubMed 23339108 (cited by Labcorp Genetics (formerly Invitae), Labcorp); PubMed 32753734 (cited by Labcorp Genetics (formerly Invitae), Labcorp).